The following is an entry in ClinVar:

NM_005033.3(EXOSC9):c.1301_1304dup (p.Arg436fs)

Genes: CCNA2 (cyclin A2; minus strand), EXOSC9 (exosome component 9; plus strand). Cytogenetic location: 4q27.
Variant type: Duplication.
Coding change: c.1301_1304dup on transcript NM_005033.3 (MANE Select); coding-DNA positions 1301 to 1304, 4 bases duplicated (AGAA; older notation c.1301_1304dupAGAA).
Protein change: p.Arg436fs; shifts the reading frame from arginine 436.
Molecular consequence: frameshift variant. On other transcripts: 3 prime UTR variant (1).
Genome position (GRCh38, 1-based): chr4:121,816,837-121,816,840, AGAA duplicated; duplicating any 4 consecutive bases within chr4:121,816,835-121,816,840 gives the same sequence; the c. name uses the placement nearest the transcript's 3' end. VCF-style (leftmost placement, unchanged base first): chr4-121816834-A-AAAAG. GRCh37 (hg19) VCF-style: chr4-122737989-A-AAAAG.
Other names: c.1352_1355dup, p.Arg453fs (NM_001034194.2); c.*800_*803dup (NM_001237.5); short protein forms R436fs, R453fs.
Identifiers: ClinVar variation 5018942 (VCV005018942.2).

ClinVar aggregate classification (germline): Uncertain significance (1 of 4 stars; one submission).

Conditions:
Pontocerebellar hypoplasia, type 1D. Identifiers: MedGen C4748058, MONDO:0054844, OMIM 618065.

Submission:

Juno Genomics, Hangzhou Juno Genomics, Inc
Classification: Uncertain significance for Pontocerebellar hypoplasia, type 1D. Review status: criteria provided, single submitter. Criteria: ACMG Guidelines, 2015. Collection method: clinical testing. Allele origin: germline.
Comment: Absent from controls (or at extremely low frequency if recessive) in Genome Aggregation Database.;Protein length changes due to in-frame deletions/insertions in a non-repeat region or stop-loss variants.